The following is an entry in ClinVar:

NM_005629.4(SLC6A8):c.778-10G>A

Gene: SLC6A8 (solute carrier family 6 member 8; plus strand). Cytogenetic location: Xq28.
Variant type: single nucleotide variant.
Coding change: c.778-10G>A on transcript NM_005629.4 (MANE Select); 10 bases into the intron before coding-DNA position 778, G replaced by A.
Molecular consequence: intron variant.
Genome position (GRCh38, 1-based): chrX:153,693,031, G>A. VCF-style: chrX-153693031-G-A. GRCh37 (hg19) VCF-style: chrX-152958486-G-A.
Other names: c.778-10G>A (NM_005629.3, NM_001142805.2); c.433-10G>A (NM_001142806.1).
Identifiers: ClinVar variation 1989245 (VCV001989245.3), dbSNP rs57342833, ClinGen allele CA2579729421.

ClinVar aggregate classification (germline): Uncertain significance. Review status: criteria provided, multiple submitters, no conflicts (2 of 4 stars). 2 submissions from 2 submitters: Uncertain significance (2). Last evaluated 2023-09-01.

Conditions:
SLC6A8-related disorder. Also called: SLC6A8-related condition.
Creatine transporter deficiency (CCDS1). Also called: CEREBRAL CREATINE DEFICIENCY SYNDROME 1; Creatine Transporter (CRTR) Deficiency; Mental retardation , X-linked with seizures, short stature and midface hypoplasia; Mental retardation , X-linked, with creatine transport deficiency; X-linked creatine transporter deficiency; X-linked creatine deficiency syndrome. Identifiers: Orphanet 52503, MedGen C1845862, MONDO:0010305, OMIM 300352.

Submissions (2):

PreventionGenetics, part of Exact Sciences
Classification: Uncertain significance for SLC6A8-related condition. Last evaluated: 2023-09-01. Review status: criteria provided, single submitter. Criteria: ACMG Guidelines, 2015. Collection method: clinical testing. Allele origin: germline.
Comment: The SLC6A8 c.778-10G>A variant is predicted to interfere with splicing. To our knowledge, this variant has not been reported in the literature or in a large population database, indicating this variant is rare. Of note, canonical splice variants affecting the same splice acceptor site have been reported to be pathogenic for X-linked cerebral creatine deficiency syndrome (c.778-2A>G at Betsalel et al. 2011. PubMed ID: 20717164 and Joncquel-Chevalier Curt et al. 2018. PubMed ID: 29478817; c.778-1G>C at Monies et al. 2019. PubMed ID: 31130284). Although we highly suspect that the c.778-10G>A variant found in this patient is also pathogenic, at this time, the clinical significance of this variant is uncertain due to the absence of conclusive functional and genetic evidence.

Labcorp Genetics (formerly Invitae), Labcorp
Classification: Uncertain significance for Creatine transporter deficiency. Last evaluated: 2023-08-04. Review status: criteria provided, single submitter. Criteria: Invitae Variant Classification Sherloc (09022015). Collection method: clinical testing. Allele origin: germline.
Comment: In summary, the available evidence is currently insufficient to determine the role of this variant in disease. Therefore, it has been classified as a Variant of Uncertain Significance. This sequence change falls in intron 4 of the SLC6A8 gene. It does not directly change the encoded amino acid sequence of the SLC6A8 protein. This variant is not present in population databases (gnomAD no frequency). This variant has not been reported in the literature in individuals affected with SLC6A8-related conditions. ClinVar contains an entry for this variant (Variation ID: 1989245). Algorithms developed to predict the effect of sequence changes on RNA splicing suggest that this variant may disrupt the consensus splice site.